The following is an entry in ClinVar:

NM_007286.6(SYNPO):c.1219C>T (p.Arg407Trp)

Gene: SYNPO (synaptopodin; plus strand). Cytogenetic location: 5q33.1.
Variant type: single nucleotide variant.
Coding change: c.1219C>T on transcript NM_007286.6 (MANE Select); coding-DNA position 1219, C replaced by T.
Protein change: p.Arg407Trp; replaces arginine 407 with tryptophan.
Molecular consequence: missense variant.
Genome position (GRCh38, 1-based): chr5:150,649,494, C>T. VCF-style: chr5-150649494-C-T. GRCh37 (hg19) VCF-style: chr5-150029056-C-T.
Other names: c.1951C>T, p.Arg651Trp (NM_001166209.2, NM_001166208.2); c.1219C>T, p.Arg407Trp (NM_001109974.3); short protein forms R407W, R651W.
Identifiers: ClinVar variation 2182889 (VCV002182889.4), dbSNP rs1259489802, ClinGen allele CA361782078.

ClinVar aggregate classification (germline): Uncertain significance (1 of 4 stars; one submission).

Allele frequency attached by ClinVar (database versions not stated): TOPMed below 0.00001; gnomAD exomes 0.00001.

Submission:

Labcorp Genetics (formerly Invitae), Labcorp
Classification: Uncertain significance. Last evaluated: 2022-09-29. Review status: criteria provided, single submitter. Criteria: Invitae Variant Classification Sherloc (09022015). Collection method: clinical testing. Allele origin: germline.
Comment: In summary, the available evidence is currently insufficient to determine the role of this variant in disease. Therefore, it has been classified as a Variant of Uncertain Significance. Algorithms developed to predict the effect of missense changes on protein structure and function (SIFT, PolyPhen-2, Align-GVGD) all suggest that this variant is likely to be disruptive. This variant has not been reported in the literature in individuals affected with SYNPO-related conditions. The frequency data for this variant in the population databases is considered unreliable, as metrics indicate poor data quality at this position in the gnomAD database. This sequence change replaces arginine, which is basic and polar, with tryptophan, which is neutral and slightly polar, at codon 407 of the SYNPO protein (p.Arg407Trp).